The following is an entry in ClinVar:

ClinVar aggregate classification (germline): Uncertain significance. Review status: criteria provided, multiple submitters, no conflicts (2 of 4 stars). 2 submissions from 2 submitters: Uncertain significance (2). Last evaluated 2025-06-22.

Allele frequency attached by ClinVar (database versions not stated): ExAC 0.00004; gnomAD exomes 0.00005; 1000 Genomes Project 0.00040; ESP Exome Variant Server 0.00054; 1000 Genomes Project 30x 0.00078.
gnomAD v4.1: 83 of 1,609,278 alleles (0.0052%); highest among the groups gnomAD compares: African/African-American, 0.1%; no homozygotes.

Submissions (2):

Ambry Genetics
Classification: Uncertain significance. Last evaluated: 2025-06-22. Review status: criteria provided, single submitter. Criteria: Ambry Variant Classification Scheme 2023. Collection method: clinical testing. Allele origin: germline.

Labcorp Genetics (formerly Invitae), Labcorp
Classification: Uncertain significance. Last evaluated: 2025-01-25. Review status: criteria provided, single submitter. Criteria: Invitae Variant Classification Sherloc (09022015). Collection method: clinical testing. Allele origin: germline.
Comment: This sequence change replaces glycine, which is neutral and non-polar, with arginine, which is basic and polar, at codon 11 of the SNIP1 protein (p.Gly11Arg). This variant is present in population databases (rs148377247, gnomAD 0.08%), and has an allele count higher than expected for a pathogenic variant. This variant has not been reported in the literature in individuals affected with SNIP1-related conditions. ClinVar contains an entry for this variant (Variation ID: 1421917). An algorithm developed to predict the effect of missense changes on protein structure and function outputs the following: PolyPhen-2: "Benign". The arginine amino acid residue is found in multiple mammalian species, which suggests that this missense change does not adversely affect protein function. In summary, the available evidence is currently insufficient to determine the role of this variant in disease. Therefore, it has been classified as a Variant of Uncertain Significance.

NM_024700.4(SNIP1):c.31G>C (p.Gly11Arg)

Gene: SNIP1 (Smad nuclear interacting protein 1; minus strand). Cytogenetic location: 1p34.3.
Variant type: single nucleotide variant.
Coding change: c.31G>C on transcript NM_024700.4 (MANE Select); coding-DNA position 31, G replaced by C.
Protein change: p.Gly11Arg; replaces glycine 11 with arginine.
Molecular consequence: missense variant.
Genome position (GRCh38, 1-based): chr1:37,554,199, C>G on the plus strand (G>C on the coding strand, the complement: SNIP1 is on the minus strand). VCF-style: chr1-37554199-C-G. GRCh37 (hg19) VCF-style: chr1-38019800-C-G.
Other names: c.31G>C (NM_024700.2); short protein forms G11R.
Identifiers: ClinVar variation 1421917 (VCV001421917.6), dbSNP rs148377247, ClinGen allele CA771447.